The following is an entry in ClinVar:

NM_022124.6(CDH23):c.5130C>T (p.Ile1710=)

Gene: CDH23 (cadherin related 23; plus strand). Cytogenetic location: 10q22.1.
Variant type: single nucleotide variant.
Coding change: c.5130C>T on transcript NM_022124.6 (MANE Select); coding-DNA position 5130, C replaced by T.
Protein change: p.Ile1710=; no amino-acid change (isoleucine 1710 retained).
Molecular consequence: synonymous variant.
Genome position (GRCh38, 1-based): chr10:71,778,251, C>T. VCF-style: chr10-71778251-C-T. GRCh37 (hg19) VCF-style: chr10-73538008-C-T.
Identifiers: ClinVar variation 45968 (VCV000045968.23), dbSNP rs111033487, ClinGen allele CA137468.

ClinVar aggregate classification (germline): Benign/Likely benign. Review status: criteria provided, multiple submitters, no conflicts (2 of 4 stars). 9 submissions from 9 submitters: Benign (3); Likely benign (4). 2 of the submissions do not count toward it. Last evaluated 2026-01-20.

Conditions:
Usher syndrome type 1D (USH1D). Also called: USHER SYNDROME, TYPE ID. Identifiers: Orphanet 231169, Orphanet 886, MedGen C1832845, MONDO:0010984, OMIM 601067.
Autosomal recessive nonsyndromic hearing loss 12. Also called: DEAFNESS, AUTOSOMAL RECESSIVE 12. Identifiers: Orphanet 90636, MedGen C1832394, MONDO:0011067, OMIM 601386.
Pituitary adenoma 5, multiple types. Identifiers: MedGen C4539685, MONDO:0054601, OMIM 617540.

Allele frequency attached by ClinVar (database versions not stated): ESP Exome Variant Server 0.00142; TOPMed 0.00143; 1000 Genomes Project 0.00200; 1000 Genomes Project 30x 0.00250.
gnomAD v4.1: 417 of 1,613,910 alleles (0.026%); highest among the groups gnomAD compares: African/African-American, 0.43%; 1 homozygote.

Submissions (9):

Labcorp Genetics (formerly Invitae), Labcorp
Classification: Benign. Last evaluated: 2026-01-20. Review status: criteria provided, single submitter. Criteria: Invitae Variant Classification Sherloc (09022015). Collection method: clinical testing. Allele origin: germline.

Blueprint Genetics
Classification: Likely benign. Last evaluated: 2024-05-13. Review status: criteria provided, single submitter. Criteria: ACMG Guidelines, 2015. Collection method: clinical testing. Allele origin: germline.

ARUP Laboratories, Molecular Genetics and Genomics, ARUP Laboratories
Classification: Likely benign. Last evaluated: 2022-07-15. Review status: criteria provided, single submitter. Criteria: ARUP Molecular Germline Variant Investigation Process 2021. Collection method: clinical testing. Allele origin: germline.

Fulgent Genetics
Classification: Likely benign for Usher syndrome type 1D; Autosomal recessive nonsyndromic hearing loss 12; Pituitary adenoma 5, multiple types. Last evaluated: 2022-04-04. Review status: criteria provided, single submitter. Criteria: ACMG Guidelines, 2015. Collection method: clinical testing. Allele origin: unknown.

GeneDx
Classification: Likely benign. Last evaluated: 2020-10-27. Review status: criteria provided, single submitter. Criteria: GeneDx Variant Classification Process June 2021. Collection method: clinical testing. Allele origin: germline. Affected: yes.

Athena Diagnostics
Classification: Benign. Last evaluated: 2018-11-12. Review status: criteria provided, single submitter. Criteria: Athena Diagnostics Criteria. Collection method: clinical testing. Allele origin: germline.

Laboratory for Molecular Medicine, Mass General Brigham Personalized Medicine
Classification: Benign. Last evaluated: 2012-08-24. Review status: criteria provided, single submitter. Criteria: LMM Criteria. Collection method: clinical testing. Allele origin: germline. Observed: 4 variant alleles.
Comment: Ile1710Ile in exon 40 of CDH23: This variant is not expected to have clinical si gnificance because it does not alter an amino acid residue, is not located withi n the splice consensus sequence and has been identified in 0.4% (18/4212) of Afr ican American chromosomes from a broad population by the NHLBI Exome sequencing project.

Clinical Genetics DNA and cytogenetics Diagnostics Lab, Erasmus MC, Erasmus Medical Center
Classification: Likely benign. Review status: no assertion criteria provided. Collection method: clinical testing. Allele origin: germline. Affected: yes. Study: VKGL Data-share Consensus. Not counted in ClinVar's aggregate classification.

Clinical Genetics, Academic Medical Center
Classification: Benign. Review status: no assertion criteria provided. Collection method: clinical testing. Allele origin: germline. Affected: yes. Study: VKGL Data-share Consensus. Not counted in ClinVar's aggregate classification.